The following is an entry in ClinVar:

ClinVar aggregate classification (germline): Uncertain significance. Review status: criteria provided, multiple submitters, no conflicts (2 of 4 stars). 2 submissions from 2 submitters: Uncertain significance (2). Last evaluated 2025-08-25.

Conditions:
Inborn genetic diseases. Identifiers: MedGen C0950123, MeSH D030342.

gnomAD v4.1: 6 of 1,259,728 alleles (0.00048%); highest among the groups gnomAD compares: African/African-American, 0.0015%; no homozygotes.

Submissions (2):

Ambry Genetics
Classification: Uncertain significance for Inborn genetic diseases. Last evaluated: 2025-08-25. Review status: criteria provided, single submitter. Criteria: Ambry Variant Classification Scheme 2023. Collection method: clinical testing. Allele origin: germline.

Labcorp Genetics (formerly Invitae), Labcorp
Classification: Uncertain significance. Last evaluated: 2024-02-06. Review status: criteria provided, single submitter. Criteria: Invitae Variant Classification Sherloc (09022015). Collection method: clinical testing. Allele origin: germline.
Comment: This sequence change replaces alanine, which is neutral and non-polar, with threonine, which is neutral and polar, at codon 77 of the LRRK1 protein (p.Ala77Thr). This variant is not present in population databases (gnomAD no frequency). This variant has not been reported in the literature in individuals affected with LRRK1-related conditions. An algorithm developed to predict the effect of missense changes on protein structure and function (PolyPhen-2) suggests that this variant¬†is likely to be tolerated. In summary, the available evidence is currently insufficient to determine the role of this variant in disease. Therefore, it has been classified as a Variant of Uncertain Significance.

NM_024652.6(LRRK1):c.229G>A (p.Ala77Thr)

Gene: LRRK1 (leucine rich repeat kinase 1; plus strand). Cytogenetic location: 15q26.3.
Variant type: single nucleotide variant.
Coding change: c.229G>A on transcript NM_024652.6 (MANE Select); coding-DNA position 229, G replaced by A.
Protein change: p.Ala77Thr; replaces alanine 77 with threonine.
Molecular consequence: missense variant.
Genome position (GRCh38, 1-based): chr15:100,973,935, G>A. VCF-style: chr15-100973935-G-A. GRCh37 (hg19) VCF-style: chr15-101514140-G-A.
Other names: c.229G>A (NM_024652.3); short protein forms A77T.
Identifiers: ClinVar variation 3605353 (VCV003605353.2).
Genomic context (GRCh38, chr15:100,973,935, plus strand): 5'-GGCATCCGCGCCGCGTACAGGCGGGGAGACCGCGGCGGCGCCCGGGACCTGCTGGAGGAG[G>A]CCTGCGACCAGTGCGCGTCCCAGCTGGAAAAGGTAGGGGAGCGCCTGCCCCTGCGGCCAC-3'
Protein context (NP_078928.3, residues 67-87): RGGARDLLEE[Ala77Thr]CDQCASQLEK